The following is an entry in ClinVar:

ClinVar aggregate classification (germline): Conflicting classifications of pathogenicity. Review status: criteria provided, conflicting classifications (1 of 4 stars). 3 submissions from 3 submitters: Uncertain significance (2); Likely benign (1). Last evaluated 2025-05-23.

Conditions:
Fanconi anemia complementation group O. Also called: RAD51C-Related Fanconi Anemia. Identifiers: Orphanet 84, MedGen C3150653, MONDO:0013248, OMIM 613390.
Hereditary cancer-predisposing syndrome. Also called: Hereditary neoplastic syndrome; Neoplastic Syndromes, Hereditary; Tumor predisposition; Hereditary Cancer Syndrome. Identifiers: Orphanet 140162, MedGen C0027672, MeSH D009386, MONDO:0015356.

Allele frequency attached by ClinVar (database versions not stated): gnomAD exomes 0.00001; ExAC 0.00002.
gnomAD v4.1: 5 of 1,614,250 alleles (0.00031%); highest among the groups gnomAD compares: East Asian, 0.0022%; no homozygotes.

Submissions (3):

Ambry Genetics
Classification: Likely benign for Hereditary cancer-predisposing syndrome. Last evaluated: 2025-05-23. Review status: criteria provided, single submitter. Criteria: Ambry Variant Classification Scheme 2023. Collection method: clinical testing. Allele origin: germline.

Labcorp Genetics (formerly Invitae), Labcorp
Classification: Uncertain significance for Fanconi anemia complementation group O. Last evaluated: 2025-03-19. Review status: criteria provided, single submitter. Criteria: Invitae Variant Classification Sherloc (09022015). Collection method: clinical testing. Allele origin: germline.
Comment: This sequence change replaces proline, which is neutral and non-polar, with leucine, which is neutral and non-polar, at codon 18 of the RAD51C protein (p.Pro18Leu). This variant is present in population databases (rs754498936, gnomAD 0.003%). This variant has not been reported in the literature in individuals affected with RAD51C-related conditions. ClinVar contains an entry for this variant (Variation ID: 480491). Invitae Evidence Modeling of protein sequence and biophysical properties (such as structural, functional, and spatial information, amino acid conservation, physicochemical variation, residue mobility, and thermodynamic stability) indicates that this missense variant is not expected to disrupt RAD51C protein function with a negative predictive value of 80%. Experimental studies have shown that this missense change does not substantially affect RAD51C function (PMID: 37253112). In summary, the available evidence is currently insufficient to determine the role of this variant in disease. Therefore, it has been classified as a Variant of Uncertain Significance.

Color Diagnostics, LLC DBA Color Health
Classification: Uncertain significance for Hereditary cancer-predisposing syndrome. Last evaluated: 2022-04-27. Review status: criteria provided, single submitter. Criteria: ACMG Guidelines, 2015. Collection method: clinical testing. Allele origin: germline.
Comment: This missense variant replaces proline with leucine at codon 18 of the RAD51C protein. Computational prediction suggests that this variant may not impact protein structure and function (internally defined REVEL score threshold <= 0.5, PMID: 27666373). To our knowledge, functional studies have not been reported for this variant. This variant has not been reported in individuals affected with ovarian cancer in the literature. This variant has been identified in 3/251452 chromosomes in the general population by the Genome Aggregation Database (gnomAD). The available evidence is insufficient to determine the role of this variant in disease conclusively. Therefore, this variant is classified as a Variant of Uncertain Significance.

Literature cited by the submitters: PubMed 37253112 (cited by Ambry Genetics and Labcorp Genetics (formerly Invitae), Labcorp).

NM_058216.3(RAD51C):c.53C>T (p.Pro18Leu)

Gene: RAD51C (RAD51 paralog C; plus strand). Cytogenetic location: 17q22.
Variant type: single nucleotide variant.
Coding change: c.53C>T on transcript NM_058216.3 (MANE Select); coding-DNA position 53, C replaced by T.
Protein change: p.Pro18Leu; replaces proline 18 with leucine.
Molecular consequence: missense variant. On other transcripts: non-coding transcript variant (1).
Genome position (GRCh38, 1-based): chr17:58,692,696, C>T. VCF-style: chr17-58692696-C-T. GRCh37 (hg19) VCF-style: chr17-56770057-C-T.
Other names: c.53C>T, p.Pro18Leu (NM_002876.4); short protein forms P18L.
Identifiers: ClinVar variation 480491 (VCV000480491.21), dbSNP rs754498936, ClinGen allele CA8677132.